The following is an entry in ClinVar:

NM_000455.5(STK11):c.990C>T (p.Asp330=)

Genes: STK11 (serine/threonine kinase 11; plus strand), LOC130062899 (ATAC-STARR-seq lymphoblastoid active region 13597; plus strand). Cytogenetic location: 19p13.3.
Variant type: single nucleotide variant.
Coding change: c.990C>T on transcript NM_000455.5 (MANE Select); coding-DNA position 990, C replaced by T.
Protein change: p.Asp330=; no amino-acid change (aspartic acid 330 retained).
Molecular consequence: synonymous variant. On other transcripts: non-coding transcript variant (1).
Genome position (GRCh38, 1-based): chr19:1,223,054, C>T. VCF-style: chr19-1223054-C-T. GRCh37 (hg19) VCF-style: chr19-1223053-C-T.
Other names: c.990C>T, p.Asp330= (NM_001407255.1).
Identifiers: ClinVar variation 2029373 (VCV002029373.5), dbSNP rs786201811, ClinGen allele CA504707757.

ClinVar aggregate classification (germline): Benign/Likely benign. Review status: criteria provided, multiple submitters, no conflicts (2 of 4 stars). 2 submissions from 2 submitters: Benign (1); Likely benign (1). Last evaluated 2025-03-28.

Conditions:
Peutz-Jeghers syndrome (PJS). Also called: POLYPOSIS, HAMARTOMATOUS INTESTINAL; POLYPS-AND-SPOTS SYNDROME; Peutz-Jeghers polyposis; Periorificial lentiginosis syndrome. Identifiers: Orphanet 2869, MedGen C0031269, MeSH D010580, MONDO:0008280, OMIM 175200.

Submissions (2):

Myriad Genetics, Inc.
Classification: Benign for Peutz-Jeghers syndrome. Last evaluated: 2025-03-28. Review status: criteria provided, single submitter. Criteria: Myriad Autosomal Dominant, Autosomal Recessive and X-Linked Classification Criteria (2023). Collection method: clinical testing. Allele origin: unknown.
Comment: This variant is considered benign. This variant is a silent/synonymous amino acid change and it is not expected to impact splicing.

Labcorp Genetics (formerly Invitae), Labcorp
Classification: Likely benign for Peutz-Jeghers syndrome. Last evaluated: 2022-09-07. Review status: criteria provided, single submitter. Criteria: Invitae Variant Classification Sherloc (09022015). Collection method: clinical testing. Allele origin: germline.